The following is an entry in ClinVar:

ClinVar aggregate classification (germline): Likely benign (0 of 4 stars; one submission).

Conditions:
LAMC1-related disorder. Also called: LAMC1-related condition.

Allele frequency attached by ClinVar (database versions not stated): gnomAD 0.00251; ESP Exome Variant Server 0.00254; 1000 Genomes Project 30x 0.00203; ExAC 0.00200; gnomAD exomes 0.00389; 1000 Genomes Project 0.00200; TOPMed 0.00278.
gnomAD v4.1: 6,068 of 1,614,114 alleles (0.38%); highest among the groups gnomAD compares: Non-Finnish European, 0.47%; 25 homozygotes.

Submissions (2):

PreventionGenetics, part of Exact Sciences
Classification: Likely benign for LAMC1-related condition. Last evaluated: 2019-04-30. Review status: no assertion criteria provided. Collection method: clinical testing. Allele origin: germline.
Comment: This variant is classified as likely benign based on ACMG/AMP sequence variant interpretation guidelines (Richards et al. 2015 PMID: 25741868, with internal and published modifications).

Dr. Peter K. Rogan Lab, Western University
No classification provided (evidence only). Condition: Malignant tumor of urinary bladder. Review status: no classification provided. Collection method: in vitro. Allele origin: not applicable. Functional consequence: retained intron. Not counted in ClinVar's aggregate classification.

NM_002293.4(LAMC1):c.3009C>T (p.Cys1003=)

Gene: LAMC1 (laminin subunit gamma 1; plus strand). Cytogenetic location: 1q25.3.
Variant type: single nucleotide variant.
Coding change: c.3009C>T on transcript NM_002293.4 (MANE Select); coding-DNA position 3009, C replaced by T.
Protein change: p.Cys1003=; no amino-acid change (cysteine 1003 retained).
Molecular consequence: synonymous variant.
Genome position (GRCh38, 1-based): chr1:183,127,290, C>T. VCF-style: chr1-183127290-C-T. GRCh37 (hg19) VCF-style: chr1-183096425-C-T.
Other names: NC_000001.10:g.183096425C>T.
Identifiers: ClinVar variation 3038106 (VCV003038106.3), dbSNP rs116448311, ClinGen allele CA1281533.